The following is an entry in ClinVar:

ClinVar aggregate classification (germline): Pathogenic (1 of 4 stars; one submission).

Submission:

Labcorp Genetics (formerly Invitae), Labcorp
Classification: Pathogenic. Last evaluated: 2023-06-17. Review status: criteria provided, single submitter. Criteria: Invitae Variant Classification Sherloc (09022015). Collection method: clinical testing. Allele origin: germline.
Comment: For these reasons, this variant has been classified as Pathogenic. This variant has not been reported in the literature in individuals affected with TBCE-related conditions. This variant is not present in population databases (gnomAD no frequency). This sequence change creates a premature translational stop signal (p.Trp218*) in the TBCE gene. It is expected to result in an absent or disrupted protein product. Loss-of-function variants in TBCE are known to be pathogenic (PMID: 27666369, 34134906, 34356170).

Literature cited by the submitters: PubMed 27666369; PubMed 34134906; PubMed 34356170.

NM_003193.5(TBCE):c.654G>A (p.Trp218Ter)

Gene: TBCE (tubulin folding cofactor E; plus strand). Cytogenetic location: 1q42.3.
Variant type: single nucleotide variant.
Coding change: c.654G>A on transcript NM_003193.5 (MANE Select); coding-DNA position 654, G replaced by A.
Protein change: p.Trp218Ter; replaces tryptophan 218 with a stop codon.
Molecular consequence: nonsense.
Genome position (GRCh38, 1-based): chr1:235,430,798, G>A. VCF-style: chr1-235430798-G-A. GRCh37 (hg19) VCF-style: chr1-235594113-G-A.
Other names: c.654G>A, p.Trp218Ter (NM_001079515.3, NM_001287801.2); c.315G>A, p.Trp105Ter (NM_001287802.2); short protein forms W218*, W105*.
Identifiers: ClinVar variation 2718164 (VCV002718164.3), dbSNP rs2527012174, ClinGen allele CA344933614.